The following is an entry in ClinVar:

NM_004385.5(VCAN):c.6479C>A (p.Thr2160Lys)

Genes: VCAN (versican; plus strand), VCAN-AS1 (VCAN antisense RNA 1; minus strand). Cytogenetic location: 5q14.3.
Variant type: single nucleotide variant.
Coding change: c.6479C>A on transcript NM_004385.5 (MANE Select); coding-DNA position 6479, C replaced by A.
Protein change: p.Thr2160Lys; replaces threonine 2160 with lysine.
Molecular consequence: missense variant. On other transcripts: intron variant (2).
Genome position (GRCh38, 1-based): chr5:83,539,482, C>A. VCF-style: chr5-83539482-C-A. GRCh37 (hg19) VCF-style: chr5-82835301-C-A.
Other names: c.3518C>A, p.Thr1173Lys (NM_001164097.2); c.4004-6055C>A (NM_001164098.2); c.1043-6055C>A (NM_001126336.3); short protein forms T2160K, T1173K.
Identifiers: ClinVar variation 1423680 (VCV001423680.6), dbSNP rs369268448, ClinGen allele CA3333481.
Genomic context (GRCh38, chr5:83,539,482, plus strand): 5'-TTGATTCACAGACATTTACTGAAACTGAACTCAAAACCACAGATTATTCTGTACTAACAA[C>A]AAAGAAAACTTACAGTGATGATAAAGAAATGAAGGAGGAAGACACTTCTTTAGTTAACAT-3'
Protein context (NP_004376.2, residues 2150-2170): LKTTDYSVLT[Thr2160Lys]KKTYSDDKEM

ClinVar aggregate classification (germline): Uncertain significance (1 of 4 stars; one submission).

Allele frequency attached by ClinVar (database versions not stated): gnomAD 0.00001; gnomAD exomes 0.00001; ExAC 0.00002; TOPMed 0.00002; ESP Exome Variant Server 0.00008.
gnomAD v4.1: 5 of 1,613,602 alleles (0.00031%); highest among the groups gnomAD compares: African/African-American, 0.0067%; no homozygotes.

Submission:

Labcorp Genetics (formerly Invitae), Labcorp
Classification: Uncertain significance. Last evaluated: 2022-07-12. Review status: criteria provided, single submitter. Criteria: Invitae Variant Classification Sherloc (09022015). Collection method: clinical testing. Allele origin: germline.
Comment: This sequence change replaces threonine, which is neutral and polar, with lysine, which is basic and polar, at codon 2160 of the VCAN protein (p.Thr2160Lys). This variant is present in population databases (rs369268448, gnomAD 0.02%). This variant has not been reported in the literature in individuals affected with VCAN-related conditions. ClinVar contains an entry for this variant (Variation ID: 1423680). Algorithms developed to predict the effect of missense changes on protein structure and function are either unavailable or do not agree on the potential impact of this missense change (SIFT: "Deleterious"; PolyPhen-2: "Probably Damaging"; Align-GVGD: "Class C0"). In summary, the available evidence is currently insufficient to determine the role of this variant in disease. Therefore, it has been classified as a Variant of Uncertain Significance.